The following is an entry in ClinVar:

NM_005585.5(SMAD6):c.1453C>T (p.Pro485Ser)

Gene: SMAD6 (SMAD family member 6; plus strand). Cytogenetic location: 15q22.31.
Variant type: single nucleotide variant.
Coding change: c.1453C>T on transcript NM_005585.5 (MANE Select); coding-DNA position 1453, C replaced by T.
Protein change: p.Pro485Ser; replaces proline 485 with serine.
Molecular consequence: missense variant. On other transcripts: non-coding transcript variant (1).
Genome position (GRCh38, 1-based): chr15:66,781,497, C>T. VCF-style: chr15-66781497-C-T. GRCh37 (hg19) VCF-style: chr15-67073835-C-T.
Other names: short protein forms P485S.
Identifiers: ClinVar variation 2104364 (VCV002104364.4), dbSNP rs2541900186, ClinGen allele CA393202568.

ClinVar aggregate classification (germline): Uncertain significance (1 of 4 stars; one submission).

Conditions:
Aortic valve disease 2 (AOVD2). Identifiers: MedGen C3542024, MONDO:0013902, OMIM 614823.

Allele frequency attached by ClinVar (database versions not stated): gnomAD exomes below 0.00001.
gnomAD v4.1: 1 of 1,575,872 alleles (0.000063%); highest among the groups gnomAD compares: Non-Finnish European, 0.000086%; no homozygotes.

Submission:

Labcorp Genetics (formerly Invitae), Labcorp
Classification: Uncertain significance for Aortic valve disease 2. Last evaluated: 2022-02-28. Review status: criteria provided, single submitter. Criteria: Invitae Variant Classification Sherloc (09022015). Collection method: clinical testing. Allele origin: germline.
Comment: This sequence change replaces proline, which is neutral and non-polar, with serine, which is neutral and polar, at codon 485 of the SMAD6 protein (p.Pro485Ser). This variant is not present in population databases (gnomAD no frequency). This variant has not been reported in the literature in individuals affected with SMAD6-related conditions. Algorithms developed to predict the effect of missense changes on protein structure and function (SIFT, PolyPhen-2, Align-GVGD) all suggest that this variant is likely to be disruptive. In summary, the available evidence is currently insufficient to determine the role of this variant in disease. Therefore, it has been classified as a Variant of Uncertain Significance.